The following is an entry in ClinVar:

NM_001967.4(EIF4A2):c.1162A>G (p.Ile388Val)

Gene: EIF4A2 (eukaryotic translation initiation factor 4A2; plus strand). Cytogenetic location: 3q27.3.
Variant type: single nucleotide variant.
Coding change: c.1162A>G on transcript NM_001967.4 (MANE Select); coding-DNA position 1162, A replaced by G.
Protein change: p.Ile388Val; replaces isoleucine 388 with valine.
Molecular consequence: missense variant.
Genome position (GRCh38, 1-based): chr3:186,789,207, A>G. VCF-style: chr3-186789207-A-G. GRCh37 (hg19) VCF-style: chr3-186506996-A-G.
Other names: short protein forms I388V.
Identifiers: ClinVar variation 4882174 (VCV004882174.2).

ClinVar aggregate classification (germline): Uncertain significance (1 of 4 stars; one submission).

Conditions:
Neurodevelopmental disorder with hypotonia and speech delay, with or without seizures (NEDHSS). Identifiers: MedGen C5830654, MONDO:0957541, OMIM 620455.

Submission:

Dasa
Classification: Uncertain significance for neurodevelopmental disorder with hypotonia and speech delay, with or without seizures. Last evaluated: 2025-08-29. Review status: criteria provided, single submitter. Criteria: DASA Assertion Criteria. Collection method: clinical testing. Allele origin: germline.
Comment: NM_001967.4(EIF4A2):c.1162A>G (p.Ile388Val) is a missense variant that results in the substitution of isoleucine with valine. This variant is absent from population databases. The currently available literature and clinical evidence are not sufficient to establish a definitive association between this variant and the reported condition. Therefore, this variant is classified as a variant of uncertain significance.